The following is an entry in ClinVar:

ClinVar aggregate classification (germline): Uncertain significance. Review status: criteria provided, multiple submitters, no conflicts (2 of 4 stars). 2 submissions from 2 submitters: Uncertain significance (2). Last evaluated 2025-07-31.

Conditions:
Neuroblastoma, susceptibility to, 3. Also called: ALK-Related Neuroblastic Tumor Susceptibility. Identifiers: Orphanet 635, MedGen C2751681, MONDO:0013083, OMIM 613014.
Hereditary cancer-predisposing syndrome. Also called: Neoplastic Syndromes, Hereditary; Hereditary Cancer Syndrome; Hereditary neoplastic syndrome; Tumor predisposition. Identifiers: Orphanet 140162, MedGen C0027672, MeSH D009386, MONDO:0015356.

Allele frequency attached by ClinVar (database versions not stated): gnomAD exomes below 0.00001; gnomAD 0.00001.
gnomAD v4.1: 4 of 1,613,642 alleles (0.00025%); highest among the groups gnomAD compares: Middle Eastern, 0.016%; no homozygotes.

Submissions (2):

Labcorp Genetics (formerly Invitae), Labcorp
Classification: Uncertain significance for Neuroblastoma, susceptibility to, 3. Last evaluated: 2025-07-31. Review status: criteria provided, single submitter. Criteria: Invitae Variant Classification Sherloc (09022015). Collection method: clinical testing. Allele origin: germline.
Comment: This sequence change replaces arginine, which is basic and polar, with cysteine, which is neutral and slightly polar, at codon 1212 of the ALK protein (p.Arg1212Cys). This variant is present in population databases (no rsID available, gnomAD 0.01%). This variant has not been reported in the literature in individuals affected with ALK-related conditions. ClinVar contains an entry for this variant (Variation ID: 853821). An algorithm developed to predict the effect of missense changes on protein structure and function (PolyPhen-2) suggests that this variant is likely to be disruptive. In summary, the available evidence is currently insufficient to determine the role of this variant in disease. Therefore, it has been classified as a Variant of Uncertain Significance.

Ambry Genetics
Classification: Uncertain significance for Hereditary cancer-predisposing syndrome. Last evaluated: 2024-08-15. Review status: criteria provided, single submitter. Criteria: Ambry Variant Classification Scheme 2023. Collection method: clinical testing. Allele origin: germline.
Comment: The p.R1212C variant (also known as c.3634C>T), located in coding exon 23 of the ALK gene, results from a C to T substitution at nucleotide position 3634. The arginine at codon 1212 is replaced by cysteine, an amino acid with highly dissimilar properties. This amino acid position is highly conserved in available vertebrate species. In addition, the in silico prediction for this alteration is inconclusive. Based on the available evidence, the clinical significance of this variant remains unclear.

NM_004304.5(ALK):c.3634C>T (p.Arg1212Cys)

Gene: ALK (ALK receptor tyrosine kinase; minus strand). Cytogenetic location: 2p23.2.
Variant type: single nucleotide variant.
Coding change: c.3634C>T on transcript NM_004304.5 (MANE Select); coding-DNA position 3634, C replaced by T.
Protein change: p.Arg1212Cys; replaces arginine 1212 with cysteine.
Molecular consequence: missense variant.
Genome position (GRCh38, 1-based): chr2:29,220,717, G>A on the plus strand (C>T on the coding strand, the complement: ALK is on the minus strand). VCF-style: chr2-29220717-G-A. GRCh37 (hg19) VCF-style: chr2-29443583-G-A.
Other names: c.430C>T, p.Arg144Cys (NM_001353765.2); short protein forms R144C, R1212C.
Identifiers: ClinVar variation 853821 (VCV000853821.13), dbSNP rs1462510005, ClinGen allele CA346472965.